The following is an entry in ClinVar:

ClinVar aggregate classification (germline): Conflicting classifications of pathogenicity. Review status: criteria provided, conflicting classifications (1 of 4 stars). 2 submissions from 2 submitters: Uncertain significance (1); Likely benign (1). Last evaluated 2025-08-18.

Conditions:
POMC-related disorder. Also called: POMC-related disorders; POMC-related condition.

Allele frequency attached by ClinVar (database versions not stated): ExAC 0.00001; gnomAD 0.00001; gnomAD exomes 0.00001 and 0.00002; TOPMed 0.00003.
gnomAD v4.1: 14 of 1,606,056 alleles (0.00087%); highest among the groups gnomAD compares: African/African-American, 0.0013%; no homozygotes.

Submissions (2):

PreventionGenetics, part of Exact Sciences
Classification: Likely benign for POMC-related condition. Last evaluated: 2025-08-18. Review status: criteria provided, single submitter. Criteria: ACMG Guidelines, 2015. Collection method: clinical testing. Allele origin: germline.
Comment: This variant is classified as likely benign based on ACMG/AMP sequence variant interpretation guidelines (Richards et al. 2015 PMID: 25741868, with internal and published modifications).

Eurofins Ntd Llc (ga)
Classification: Uncertain significance. Last evaluated: 2017-02-06. Review status: criteria provided, single submitter. Criteria: EGL Classification Definitions 2015. Collection method: clinical testing. Allele origin: germline. Observed: 1 variant allele, 1 heterozygote.

NM_000939.4(POMC):c.399C>T (p.Arg133=)

Gene: POMC (proopiomelanocortin; minus strand). Cytogenetic location: 2p23.3.
Variant type: single nucleotide variant.
Coding change: c.399C>T on transcript NM_000939.4 (MANE Select); coding-DNA position 399, C replaced by T.
Protein change: p.Arg133=; no amino-acid change (arginine 133 retained).
Molecular consequence: synonymous variant.
Genome position (GRCh38, 1-based): chr2:25,161,486, G>A on the plus strand (C>T on the coding strand, the complement: POMC is on the minus strand). VCF-style: chr2-25161486-G-A. GRCh37 (hg19) VCF-style: chr2-25384355-G-A.
Other names: c.399C>T (NM_000939.3); c.399C>T, p.Arg133= (NM_001035256.3, NM_001319204.2, NM_001319205.2).
Identifiers: ClinVar variation 500149 (VCV000500149.6), dbSNP rs779829904, ClinGen allele CA1555305.